The following is an entry in ClinVar:

NM_080552.3(SLC32A1):c.1577A>G (p.Ter526Trp)

Gene: SLC32A1 (solute carrier family 32 member 1; plus strand). Cytogenetic location: 20q11.23.
Variant type: single nucleotide variant.
Coding change: c.1577A>G on transcript NM_080552.3 (MANE Select); coding-DNA position 1577, A replaced by G.
Protein change: p.Ter526Trp.
Molecular consequence: stop lost.
Genome position (GRCh38, 1-based): chr20:38,728,638, A>G. VCF-style: chr20-38728638-A-G. GRCh37 (hg19) VCF-style: chr20-37357281-A-G.
Identifiers: ClinVar variation 4886806 (VCV004886806.1).

ClinVar aggregate classification (germline): Uncertain significance (0 of 4 stars; one submission).

Submission:

Diagnostics Centre, Carl Von Ossietzky University Oldenburg
Classification: Uncertain significance. Last evaluated: 2026-01-15. Review status: no assertion criteria provided. Collection method: clinical testing. Allele origin: germline. Affected: yes. Observed: 1 variant allele.
Comment: The variant NM_080552.3 (SLC32A1): c.1577A>G p.(Ter526TrpextTer121) located in the exon 2 of the SLC32A1 gene results from a adenine-to-guanine substitution at nucleotide position c.1577. The variant results in a protein extension of 121 amino acids due to loss of the normal stop codon and continuation of translation beyond the canonical termination site. The variant has not previously been reported in ClinVar or in any known publications. The variant is classified as very rare since it is absent in gnomAD v4.1.0. In summary, this variant is classified as a variant of uncertain significance.